The following is an entry in ClinVar:

NM_000038.6(APC):c.646-309T>G

Gene: APC (APC regulator of WNT signaling pathway; plus strand). Cytogenetic location: 5q22.2.
Variant type: single nucleotide variant.
Coding change: c.646-309T>G on transcript NM_000038.6 (MANE Select); 309 bases into the intron before coding-DNA position 646, T replaced by G.
Molecular consequence: intron variant.
Genome position (GRCh38, 1-based): chr5:112,792,137, T>G. VCF-style: chr5-112792137-T-G. GRCh37 (hg19) VCF-style: chr5-112127834-T-G.
Other names: c.646-309T>G (NM_001354895.2, NM_001127510.3, NM_001354896.2 and 1 more transcripts); c.676-309T>G (NM_001354897.2, NM_001354902.2); c.676-9142T>G (NM_001127511.3); c.571-309T>G (NM_001354898.2, NM_001354904.2); c.-390-309T>G (NM_001354906.2); c.646-9142T>G (NM_001354899.2); c.469-309T>G (NM_001354900.2, NM_001354901.2, NM_001354905.2).
Identifiers: ClinVar variation 83003 (VCV000083003.2), dbSNP rs78602900, ClinGen allele CA011825.
Genomic context (GRCh38, chr5:112,792,137, plus strand): 5'-CGCTACTAAAAATACAAAAATTAGCTGGGCGTGGTGGTGCGCGCCTGTAGTCCCAGCTAC[T>G]CGGGAGCCTGAGGCAAAAGAATCACTTGAACCCGGAAGGCGGAGGTTGCGGTGAGCTGAG-3'

ClinVar aggregate classification (germline): other (0 of 4 stars; one submission).

Conditions:
Familial colorectal cancer. Identifiers: MedGen CN280943, MONDO:0023113. Disease mechanism: loss of function.

Submission:

Systems Biology Platform Zhejiang California International NanoSystems Institute
Classification: other for Familial colorectal cancer. Review status: no assertion criteria provided. Collection method: not provided. Allele origin: unknown.
ClinVar note: Converted during submission from cancer to other.